The following is an entry in ClinVar:

ClinVar aggregate classification (germline): Benign/Likely benign. Review status: criteria provided, multiple submitters, no conflicts (2 of 4 stars). 4 submissions from 4 submitters: Benign (1); Likely benign (3). Last evaluated 2024-09-03.

Conditions:
Hereditary cancer-predisposing syndrome. Also called: Neoplastic Syndromes, Hereditary; Hereditary neoplastic syndrome; Hereditary Cancer Syndrome; Tumor predisposition. Identifiers: Orphanet 140162, MedGen C0027672, MeSH D009386, MONDO:0015356.
Ataxia-telangiectasia syndrome (AT). Also called: Ataxia-telangiectasia, complementation group D; Ataxia-telangiectasia, complementation group E; LOUIS-BAR SYNDROME; AT, COMPLEMENTATION GROUP C; ATAXIA-TELANGIECTASIA, COMPLEMENTATION GROUP A; ATAXIA-TELANGIECTASIA, FRESNO VARIANT. Identifiers: Orphanet 100, MedGen C0004135, MONDO:0008840, OMIM 208900.
Familial cancer of breast. Also called: hereditary breast carcinoma; Hereditary breast cancer; BREAST CANCER, FAMILIAL. Identifiers: Orphanet 227535, MedGen C0346153, MONDO:0016419, OMIM 114480. Disease mechanism: loss of function.

gnomAD v4.1: 1 of 1,613,998 alleles (0.000062%); highest among the groups gnomAD compares: Non-Finnish European, 0.000085%; no homozygotes.

Submissions (4):

Labcorp Genetics (formerly Invitae), Labcorp
Classification: Likely benign for Ataxia-telangiectasia syndrome. Last evaluated: 2024-09-03. Review status: criteria provided, single submitter. Criteria: Invitae Variant Classification Sherloc (09022015). Collection method: clinical testing. Allele origin: germline.

Myriad Genetics, Inc.
Classification: Benign for Familial cancer of breast. Last evaluated: 2024-06-18. Review status: criteria provided, single submitter. Criteria: Myriad Autosomal Dominant, Autosomal Recessive and X-Linked Classification Criteria (2023). Collection method: clinical testing. Allele origin: unknown.
Comment: This variant is considered benign. This variant is a silent/synonymous amino acid change and it is not expected to impact splicing.

GeneDx
Classification: Likely benign. Last evaluated: 2019-01-10. Review status: criteria provided, single submitter. Criteria: GeneDx Variant Classification Process June 2021. Collection method: clinical testing. Allele origin: germline. Affected: yes.

Ambry Genetics
Classification: Likely benign for Hereditary cancer-predisposing syndrome. Last evaluated: 2015-12-03. Review status: criteria provided, single submitter. Criteria: Ambry Variant Classification Scheme 2023. Collection method: clinical testing. Allele origin: germline.

NM_000051.4(ATM):c.8217G>T (p.Leu2739=)

Genes: ATM (ATM serine/threonine kinase; plus strand), C11orf65 (chromosome 11 open reading frame 65; minus strand). Cytogenetic location: 11q22.3.
Variant type: single nucleotide variant.
Coding change: c.8217G>T on transcript NM_000051.4 (MANE Select); coding-DNA position 8217, G replaced by T.
Protein change: p.Leu2739=; no amino-acid change (leucine 2739 retained).
Molecular consequence: synonymous variant. On other transcripts: intron variant (2).
Genome position (GRCh38, 1-based): chr11:108,335,910, G>T. VCF-style: chr11-108335910-G-T. GRCh37 (hg19) VCF-style: chr11-108206637-G-T.
Other names: c.8217G>T, p.Leu2739= (NM_001351834.2); c.641-26839C>A (NM_001330368.2); c.695-618C>A (NM_001351110.2).
Identifiers: ClinVar variation 381225 (VCV000381225.18), dbSNP rs759069006, ClinGen allele CA6266319.